The following is an entry in ClinVar:

NM_001367561.1(DOCK7):c.55G>A (p.Val19Ile)

Gene: DOCK7 (dedicator of cytokinesis 7; minus strand). Cytogenetic location: 1p31.3.
Variant type: single nucleotide variant.
Coding change: c.55G>A on transcript NM_001367561.1 (MANE Select); coding-DNA position 55, G replaced by A.
Protein change: p.Val19Ile; replaces valine 19 with isoleucine.
Molecular consequence: missense variant.
Genome position (GRCh38, 1-based): chr1:62,663,114, C>T on the plus strand (G>A on the coding strand, the complement: DOCK7 is on the minus strand). VCF-style: chr1-62663114-C-T. GRCh37 (hg19) VCF-style: chr1-63128785-C-T.
Other names: c.55G>A, p.Val19Ile (NM_001271999.2, NM_001272000.2, NM_001272001.2 and 3 more transcripts); short protein forms V19I.
Identifiers: ClinVar variation 1976586 (VCV001976586.5), dbSNP rs770149679, ClinGen allele CA887292.
Genomic context (GRCh38, chr1:62,663,114, plus strand): 5'-TATTAAGGTTTTTGAGCAGTTGGGGAGAACCACTATATTGTCCGGAGATCTGCTTCCTAA[C>T]TTCGGCTGCCACCGTTCTACAATGAAGAAAGCAAAAACATACGCATTATTGAAAAAAAAA-3'
Protein context (NP_001354490.1, residues 9-29): QKISRTVAAE[Val19Ile]RKQISGQYSG

ClinVar aggregate classification (germline): Uncertain significance (1 of 4 stars; one submission).

Conditions:
Developmental and epileptic encephalopathy, 23 (DEE23). Also called: Epileptic encephalopathy, early infantile, 23. Identifiers: Orphanet 411986, MedGen C4014492, MONDO:0014371, OMIM 615859.

Allele frequency attached by ClinVar (database versions not stated): gnomAD exomes 0.00001; gnomAD 0.00001; ExAC 0.00003.
gnomAD v4.1: 13 of 1,612,154 alleles (0.00081%); highest among the groups gnomAD compares: Admixed American, 0.0033%; no homozygotes.

Submission:

Labcorp Genetics (formerly Invitae), Labcorp
Classification: Uncertain significance for Developmental and epileptic encephalopathy, 23. Last evaluated: 2022-06-13. Review status: criteria provided, single submitter. Criteria: Invitae Variant Classification Sherloc (09022015). Collection method: clinical testing. Allele origin: germline.
Comment: This sequence change replaces valine, which is neutral and non-polar, with isoleucine, which is neutral and non-polar, at codon 19 of the DOCK7 protein (p.Val19Ile). This variant is present in population databases (rs770149679, gnomAD 0.005%). This variant has not been reported in the literature in individuals affected with DOCK7-related conditions. Algorithms developed to predict the effect of missense changes on protein structure and function are either unavailable or do not agree on the potential impact of this missense change (SIFT: "Deleterious"; PolyPhen-2: "Possibly Damaging"; Align-GVGD: "Class C0"). In summary, the available evidence is currently insufficient to determine the role of this variant in disease. Therefore, it has been classified as a Variant of Uncertain Significance.